The following is an entry in ClinVar:

NM_001033855.3(DCLRE1C):c.262G>A (p.Glu88Lys)

Gene: DCLRE1C (DNA cross-link repair 1C; minus strand). Cytogenetic location: 10p13.
Variant type: single nucleotide variant.
Coding change: c.262G>A on transcript NM_001033855.3 (MANE Select); coding-DNA position 262, G replaced by A.
Protein change: p.Glu88Lys; replaces glutamic acid 88 with lysine.
Molecular consequence: missense variant. On other transcripts: 5 prime UTR variant (9), non-coding transcript variant (4).
Genome position (GRCh38, 1-based): chr10:14,939,854, C>T on the plus strand (G>A on the coding strand, the complement: DCLRE1C is on the minus strand). VCF-style: chr10-14939854-C-T. GRCh37 (hg19) VCF-style: chr10-14981853-C-T.
Other names: NM_001033855.3(DCLRE1C):c.262G>A; p.Glu88Lys; c.-99G>A (NM_001033857.3, NM_001033858.3, NM_001289077.2 and 2 more transcripts); c.-28G>A (NM_001289076.2, NM_001289078.2, NM_001350966.2 and 1 more transcripts); c.262G>A, p.Glu88Lys (NM_001350965.2); short protein forms E88K.
Identifiers: ClinVar variation 2199693 (VCV002199693.2), dbSNP rs753976764, ClinGen allele CA5416937.
Genomic context (GRCh38, chr10:14,939,854, plus strand): 5'-TTTAATATTTAGTTACCTCTCCTGATGCTTCATCCACTAAAGATATCTGGGTAGGAGTCT[C>T]GATTTCAATAGATATCTATAAAAATAAAATAAGAGACCATGTATATAGCAGTTTTTCATG-3'
Protein context (NP_001029027.1, residues 78-98): WKKRIISIEI[Glu88Lys]TPTQISLVDE

ClinVar aggregate classification (germline): Uncertain significance. Review status: reviewed by expert panel (3 of 4 stars). 3 submissions from 3 submitters: Uncertain significance (1). 2 of the submissions do not count toward it. Last evaluated 2024-02-15.

Conditions:
Severe combined immunodeficiency due to DCLRE1C deficiency (RS-SCID). Also called: SCID, AUTOSOMAL RECESSIVE, T CELL-NEGATIVE, B CELL-NEGATIVE, NK CELL-POSITIVE, WITH SENSITIVITY TO IONIZING RADIATION. Identifiers: Orphanet 275, MedGen C1865371, MONDO:0011225, OMIM 602450.
Inborn genetic diseases. Identifiers: MedGen C0950123, MeSH D030342.

Allele frequency attached by ClinVar (database versions not stated): ExAC 0.00008; gnomAD 0.00001.
gnomAD v4.1: 94 of 1,594,988 alleles (0.0059%); highest among the groups gnomAD compares: Non-Finnish European, 0.0077%; no homozygotes.

Submissions (3):

ClinGen Severe Combined Immunodeficiency Variant Curation Expert Panel, ClinGen
Classification: Uncertain significance for Severe combined immunodeficiency due to DCLRE1C deficiency. Last evaluated: 2024-02-15. Review status: reviewed by expert panel. Criteria: ClinGen SCID ACMG Specifications DCLRE1C V1.0.0. Collection method: curation. Allele origin: germline. Inheritance: Autosomal recessive inheritance.
Comment: The c.262G>A (NM_001033855.3) variant in DCLRE1C is a missense variant predicted to cause the substitution of Glutamic Acid by Lysine at amino acid 88 p.Glu88Lys. The filtering allele frequency (the upper threshold of the 95% CI of 90/1164454) of the c.262G>A variant in DCLRE1C is 0.00006702 for European (non-Finnish) chromosomes by gnomAD v4, which is lower than the SCID-VCEP threshold for BS1 (>0.00078) and BA1 (>0.00346) but higher than the threshold (<0.00003266) for PM2_Supporting (BS1 not met, BA1 not met, PM2_Supporting not met). No homozygotes have been observed in gnomAD v4. To our knowledge, this variant has not been reported in the literature in individuals affected with DCLRE1C-related conditions or in functional studies. Due to insufficient evidence, this variant is classified as a variant of uncertain significance for autosomal recessive severe combined immunodeficiency due to DCLRE1C deficiency based on the ACMG/AMP criteria applied, as specified by the ClinGen SCID VCEP (specification version 1.0): No criteria were applied.

Ambry Genetics
Classification: Uncertain significance for Inborn genetic diseases. Last evaluated: 2025-08-01. Review status: criteria provided, single submitter. Criteria: Ambry Variant Classification Scheme 2023. Collection method: clinical testing. Allele origin: germline. Not counted in ClinVar's aggregate classification.

Labcorp Genetics (formerly Invitae), Labcorp
Classification: Uncertain significance for Athabaskan severe combined immunodeficiency. Last evaluated: 2022-03-24. Review status: criteria provided, single submitter. Criteria: Invitae Variant Classification Sherloc (09022015). Collection method: clinical testing. Allele origin: germline. Not counted in ClinVar's aggregate classification.
Comment: This sequence change replaces glutamic acid, which is acidic and polar, with lysine, which is basic and polar, at codon 88 of the DCLRE1C protein (p.Glu88Lys). This variant is present in population databases (rs753976764, gnomAD 0.01%). This variant has not been reported in the literature in individuals affected with DCLRE1C-related conditions. Algorithms developed to predict the effect of missense changes on protein structure and function are either unavailable or do not agree on the potential impact of this missense change (SIFT: "Tolerated"; PolyPhen-2: "Probably Damaging"; Align-GVGD: "Class C0"). In summary, the available evidence is currently insufficient to determine the role of this variant in disease. Therefore, it has been classified as a Variant of Uncertain Significance.